The following is an entry in ClinVar:

ClinVar aggregate classification (germline): Uncertain significance (1 of 4 stars; one submission).

Conditions:
Intellectual disability, autosomal dominant 24 (VSVS). Also called: VULTO-VAN SILFHOUT-DE VRIES SYNDROME. Identifiers: MedGen C4014414, MONDO:0014357, OMIM 615828.

Submission:

Baylor Genetics
Classification: Uncertain significance for Intellectual disability, autosomal dominant 24. Last evaluated: 2020-05-05. Review status: criteria provided, single submitter. Criteria: ACMG Guidelines, 2015. Collection method: clinical testing. Allele origin: unknown. Affected: yes.
Comment: This variant was determined to be of uncertain significance according to ACMG Guidelines, 2015 [PMID:25741868].

NM_021008.4(DEAF1):c.151G>A (p.Asp51Asn)

Gene: DEAF1 (DEAF1 transcription factor; minus strand). Cytogenetic location: 11p15.5.
Variant type: single nucleotide variant.
Coding change: c.151G>A on transcript NM_021008.4 (MANE Select); coding-DNA position 151, G replaced by A.
Protein change: p.Asp51Asn; replaces aspartic acid 51 with asparagine.
Molecular consequence: missense variant. On other transcripts: intron variant (1).
Genome position (GRCh38, 1-based): chr11:694,897, C>T on the plus strand (G>A on the coding strand, the complement: DEAF1 is on the minus strand). VCF-style: chr11-694897-C-T. GRCh37 (hg19) VCF-style: chr11-694897-C-T.
Other names: c.151G>A, p.Asp51Asn (NM_001293634.2); c.-437-3299G>A (NM_001367390.1); short protein forms D51N.
Identifiers: ClinVar variation 1028212 (VCV001028212.1), dbSNP rs1861042069, ClinGen allele CA378939727.